The following is an entry in ClinVar:

NM_000719.7(CACNA1C):c.6100A>G (p.Ser2034Gly)

Genes: CACNA1C (calcium voltage-gated channel subunit alpha1 C; plus strand), CACNA1C-AS1 (CACNA1C antisense RNA 1; minus strand). Cytogenetic location: 12p13.33.
Variant type: single nucleotide variant.
Coding change: c.6100A>G on transcript NM_000719.7 (MANE Select); coding-DNA position 6100, A replaced by G.
Protein change: p.Ser2034Gly; replaces serine 2034 with glycine.
Molecular consequence: missense variant.
Genome position (GRCh38, 1-based): chr12:2,688,762, A>G. VCF-style: chr12-2688762-A-G. GRCh37 (hg19) VCF-style: chr12-2797928-A-G.
Other names: c.6244A>G, p.Ser2082Gly (NM_001129827.2); c.6223A>G, p.Ser2075Gly (NM_001129829.2); c.6205A>G, p.Ser2069Gly (NM_001129830.3, NM_001167624.3); c.6184A>G, p.Ser2062Gly (NM_001129831.2); c.6160A>G, p.Ser2054Gly (NM_001129832.2); c.6157A>G, p.Ser2053Gly (NM_001129833.2, NM_001129834.2, NM_001129835.2); c.6151A>G, p.Ser2051Gly (NM_001129836.2); c.6124A>G, p.Ser2042Gly (NM_001129837.2, NM_001129838.2); and 6 more; short protein forms S2031G, S2034G, S2054G, S2117G, S2051G, S2053G, S2062G, S2023G.
Identifiers: ClinVar variation 1501394 (VCV001501394.6), dbSNP rs1454941343, ClinGen allele CA383385473.

ClinVar aggregate classification (germline): Uncertain significance (1 of 4 stars; one submission).

Conditions:
Long QT syndrome (LQTS). Identifiers: MedGen C0023976, MeSH D008133, MONDO:0002442. Disease mechanism: loss of function. Inheritance: Various modes of inheritance.

Allele frequency attached by ClinVar (database versions not stated): TOPMed below 0.00001; gnomAD 0.00001.

Submission:

Labcorp Genetics (formerly Invitae), Labcorp
Classification: Uncertain significance for Long QT syndrome. Last evaluated: 2021-11-03. Review status: criteria provided, single submitter. Criteria: Invitae Variant Classification Sherloc (09022015). Collection method: clinical testing. Allele origin: germline.
Comment: Algorithms developed to predict the effect of missense changes on protein structure and function (SIFT, PolyPhen-2, Align-GVGD) all suggest that this variant is likely to be tolerated. This variant has not been reported in the literature in individuals affected with CACNA1C-related conditions. This variant is not present in population databases (gnomAD no frequency). This sequence change replaces serine, which is neutral and polar, with glycine, which is neutral and non-polar, at codon 2034 of the CACNA1C protein (p.Ser2034Gly). In summary, the available evidence is currently insufficient to determine the role of this variant in disease. Therefore, it has been classified as a Variant of Uncertain Significance.